The following is an entry in ClinVar:

ClinVar aggregate classification (germline): Likely pathogenic (1 of 4 stars; one submission).

Conditions:
Intellectual developmental disorder, autosomal dominant 41. Also called: Intellectual disability, autosomal dominant 41. Identifiers: Orphanet 2823, MedGen C4310784, MONDO:0014842, OMIM 616944.
Pierpont syndrome (PRPTS). Identifiers: Orphanet 487825, MedGen C1865644, MONDO:0011213, OMIM 602342.

Submission:

Juno Genomics, Hangzhou Juno Genomics, Inc
Classification: Likely pathogenic for Intellectual developmental disorder, autosomal dominant 41; Pierpont syndrome. Review status: criteria provided, single submitter. Criteria: ACMG Guidelines, 2015. Collection method: clinical testing. Allele origin: germline. Affected: yes.
Comment: Absent from controls (or at extremely low frequency if recessive) in Genome Aggregation Database, Exome Sequencing Project, 1000 Genomes Project, or Exome Aggregation Consortium.;Missense variant in a gene that has a low rate of benign missense variation and where missense variants are a common mechanism of disease.;Multiple lines of computational evidence support a deleterious effect on the gene or gene product (conservation, evolutionary, splicing impact, etc).;Assumed de novo, but without confirmation of paternity and maternity.;Located in a mutational hot spot and/or critical and well-established functional domain (e.g. active site of an enzyme) without benign variation.

NM_024665.7(TBL1XR1):c.853G>A (p.Gly285Arg)

Genes: TBL1XR1 (TBL1X/Y related 1; minus strand), TBL1XR1-AS1 (TBL1XR1 antisense RNA 1; plus strand). Cytogenetic location: 3q26.32.
Variant type: single nucleotide variant.
Coding change: c.853G>A on transcript NM_024665.7 (MANE Select); coding-DNA position 853, G replaced by A.
Protein change: p.Gly285Arg; replaces glycine 285 with arginine.
Molecular consequence: missense variant.
Genome position (GRCh38, 1-based): chr3:177,047,311, C>T on the plus strand (G>A on the coding strand, the complement: TBL1XR1 is on the minus strand). VCF-style: chr3-177047311-C-T. GRCh37 (hg19) VCF-style: chr3-176765099-C-T.
Other names: c.853G>A, p.Gly285Arg (NM_001321193.3, NM_001321194.3, NM_001374327.1 and 2 more transcripts); c.592G>A, p.Gly198Arg (NM_001321195.3, NM_001374330.1); short protein forms G198R, G285R.
Identifiers: ClinVar variation 3382188 (VCV003382188.2).